The following is an entry in ClinVar:

ClinVar aggregate classification (germline): Uncertain significance (1 of 4 stars; one submission).

Allele frequency attached by ClinVar (database versions not stated): gnomAD exomes 0.00002; TOPMed 0.00004; ExAC 0.00005; gnomAD 0.00009; 1000 Genomes Project 30x 0.00016; 1000 Genomes Project 0.00020.
gnomAD v4.1: 19 of 696,902 alleles (0.0027%); highest among the groups gnomAD compares: African/African-American, 0.015%; no homozygotes.

Submission:

Labcorp Genetics (formerly Invitae), Labcorp
Classification: Uncertain significance. Last evaluated: 2022-02-05. Review status: criteria provided, single submitter. Criteria: Invitae Variant Classification Sherloc (09022015). Collection method: clinical testing. Allele origin: germline.
Comment: This sequence change replaces proline, which is neutral and non-polar, with leucine, which is neutral and non-polar, at codon 1017 of the LOXHD1 protein (p.Pro1017Leu). This variant is present in population databases (rs570602921, gnomAD 0.01%). This variant has not been reported in the literature in individuals affected with LOXHD1-related conditions. Algorithms developed to predict the effect of missense changes on protein structure and function (SIFT, PolyPhen-2, Align-GVGD) all suggest that this variant is likely to be tolerated. In summary, the available evidence is currently insufficient to determine the role of this variant in disease. Therefore, it has been classified as a Variant of Uncertain Significance.

NM_001384474.1(LOXHD1):c.3050C>T (p.Pro1017Leu)

Gene: LOXHD1 (lipoxygenase homology PLAT domains 1; minus strand). Cytogenetic location: 18q21.1.
Variant type: single nucleotide variant.
Coding change: c.3050C>T on transcript NM_001384474.1 (MANE Select); coding-DNA position 3050, C replaced by T.
Protein change: p.Pro1017Leu; replaces proline 1017 with leucine.
Molecular consequence: missense variant.
Genome position (GRCh38, 1-based): chr18:46,560,094, G>A on the plus strand (C>T on the coding strand, the complement: LOXHD1 is on the minus strand). VCF-style: chr18-46560094-G-A. GRCh37 (hg19) VCF-style: chr18-44140057-G-A.
Other names: c.3050C>T, p.Pro1017Leu (NM_144612.7); short protein forms P1017L.
Identifiers: ClinVar variation 2198650 (VCV002198650.1), dbSNP rs570602921, ClinGen allele CA8952578.